The following is an entry in ClinVar:

NM_000081.4(LYST):c.2455G>A (p.Ala819Thr)

Gene: LYST (lysosomal trafficking regulator; minus strand). Cytogenetic location: 1q42.3.
Variant type: single nucleotide variant.
Coding change: c.2455G>A on transcript NM_000081.4 (MANE Select); coding-DNA position 2455, G replaced by A.
Protein change: p.Ala819Thr; replaces alanine 819 with threonine.
Molecular consequence: missense variant.
Genome position (GRCh38, 1-based): chr1:235,806,681, C>T on the plus strand (G>A on the coding strand, the complement: LYST is on the minus strand). VCF-style: chr1-235806681-C-T. GRCh37 (hg19) VCF-style: chr1-235969981-C-T.
Other names: p.Ala819Thr; c.2455G>A, p.Ala819Thr (NM_001301365.1); short protein forms A819T.
Identifiers: ClinVar variation 525158 (VCV000525158.14), dbSNP rs141083628, ClinGen allele CA1467272.
Genomic context (GRCh38, chr1:235,806,681, plus strand): 5'-TATCTGGAACTGAGGCATCTTTCTGTTGCTCCCCTAGGCTGATTATCAGAGTTTCAAATG[C>T]TTTTAGAGAATGACTTCGAATACCATTTAAGCAATTTAATTCGATTATTTGACTTACTCC-3'
Protein context (NP_000072.2, residues 809-829): LNGIRSHSLK[Ala819Thr]FETLIISLGE

ClinVar aggregate classification (germline): Uncertain significance. Review status: criteria provided, multiple submitters, no conflicts (2 of 4 stars). 6 submissions from 6 submitters: Uncertain significance (5). 1 of the submissions does not count toward it. Last evaluated 2025-07-16.

Conditions:
Chédiak-Higashi syndrome (CHS). Also called: Chediak-Higashi Syndrome. Identifiers: Orphanet 167, MedGen C0007965, MONDO:0008963, OMIM 214500.
LYST-related disorder. Also called: LYST-related condition.

Allele frequency attached by ClinVar (database versions not stated): gnomAD 0.00003; TOPMed 0.00005; ESP Exome Variant Server 0.00008; ExAC 0.00014; gnomAD exomes 0.00015.
gnomAD v4.1: 225 of 1,613,456 alleles (0.014%); highest among the groups gnomAD compares: Middle Eastern, 0.049%; no homozygotes.

Submissions (6):

Women's Health and Genetics/Laboratory Corporation of America, LabCorp
Classification: Uncertain significance. Last evaluated: 2025-07-16. Review status: criteria provided, single submitter. Criteria: LabCorp Variant Classification Summary - May 2015. Collection method: clinical testing. Allele origin: germline.
Comment: Variant summary: LYST c.2455G>A (p.Ala819Thr) results in a non-conservative amino acid change in the encoded protein sequence. Algorithms developed to predict the effect of missense changes on protein structure and function are either unavailable or do not agree on the potential impact of this missense change. The variant allele was found at a frequency of 0.00011 in 251182 control chromosomes (gnomAD). This frequency is not significantly higher than estimated for a pathogenic variant in LYST causing Chediak-Higashi Syndrome (0.00011 vs 0.0011), allowing no conclusion about variant significance. To our knowledge, no occurrence of c.2455G>A in individuals affected with Chediak-Higashi Syndrome and no experimental evidence demonstrating its impact on protein function have been reported. ClinVar contains an entry for this variant (Variation ID: 525158). Based on the evidence outlined above, the variant was classified as uncertain significance.

Labcorp Genetics (formerly Invitae), Labcorp
Classification: Uncertain significance for Chédiak-Higashi syndrome. Last evaluated: 2025-01-13. Review status: criteria provided, single submitter. Criteria: Invitae Variant Classification Sherloc (09022015). Collection method: clinical testing. Allele origin: germline.
Comment: This sequence change replaces alanine, which is neutral and non-polar, with threonine, which is neutral and polar, at codon 819 of the LYST protein (p.Ala819Thr). This variant is present in population databases (rs141083628, gnomAD 0.03%). This variant has not been reported in the literature in individuals affected with LYST-related conditions. ClinVar contains an entry for this variant (Variation ID: 525158). Invitae Evidence Modeling of protein sequence and biophysical properties (such as structural, functional, and spatial information, amino acid conservation, physicochemical variation, residue mobility, and thermodynamic stability) indicates that this missense variant is not expected to disrupt LYST protein function with a negative predictive value of 80%. In summary, the available evidence is currently insufficient to determine the role of this variant in disease. Therefore, it has been classified as a Variant of Uncertain Significance.

Blueprint Genetics
Classification: Uncertain significance. Last evaluated: 2024-09-23. Review status: criteria provided, single submitter. Criteria: ACMG Guidelines, 2015. Collection method: clinical testing. Allele origin: germline.

Mayo Clinic Laboratories, Mayo Clinic
Classification: Uncertain significance. Last evaluated: 2023-09-20. Review status: criteria provided, single submitter. Criteria: ACMG Guidelines, 2015. Collection method: clinical testing. Allele origin: germline. Observed: 1 variant allele.
Comment: BP4

Revvity Omics, Revvity
Classification: Uncertain significance for Chédiak-Higashi syndrome. Last evaluated: 2019-06-05. Review status: criteria provided, single submitter. Criteria: ACMG Guidelines, 2015. Collection method: clinical testing. Allele origin: germline.

PreventionGenetics, part of Exact Sciences
Classification: Uncertain significance for LYST-related condition. Last evaluated: 2023-11-27. Review status: no assertion criteria provided. Collection method: clinical testing. Allele origin: germline. Not counted in ClinVar's aggregate classification.
Comment: The LYST c.2455G>A variant is predicted to result in the amino acid substitution p.Ala819Thr. To our knowledge, this variant has not been reported in the literature. This variant is reported in 0.033% of alleles in individuals of South Asian descent in gnomAD. At this time, the clinical significance of this variant is uncertain due to the absence of conclusive functional and genetic evidence.